The following is an entry in ClinVar:

NM_017633.3(TENT5A):c.139_141del (p.Ser47del)

Gene: TENT5A (terminal nucleotidyltransferase 5A; minus strand). Cytogenetic location: 6q14.1.
Variant type: Deletion.
Coding change: c.139_141del on transcript NM_017633.3 (MANE Select); coding-DNA positions 139 to 141, 3 bases deleted (AGC; older notation c.139_141delAGC).
Protein change: p.Ser47del; deletes serine 47.
Molecular consequence: inframe deletion.
Genome position (GRCh38, 1-based): chr6:81,752,001-81,752,003, GCT deleted on the plus strand (AGC on the coding strand, the reverse complement: TENT5A is on the minus strand); deleting any 3 consecutive bases within chr6:81,752,001-81,752,005 gives the same sequence; the c. name uses the placement nearest the transcript's 3' end. VCF-style (leftmost placement, unchanged base first): chr6-81752000-AGCT-A. GRCh37 (hg19) VCF-style: chr6-82461717-AGCT-A.
Other names: short protein forms S47del.
Identifiers: ClinVar variation 1680607 (VCV001680607.6), dbSNP rs2127726927, ClinGen allele CA2573141267.

ClinVar aggregate classification (germline): Uncertain significance (1 of 4 stars; one submission).

Submission:

Labcorp Genetics (formerly Invitae), Labcorp
Classification: Uncertain significance. Last evaluated: 2023-08-31. Review status: criteria provided, single submitter. Criteria: Invitae Variant Classification Sherloc (09022015). Collection method: clinical testing. Allele origin: germline.
Comment: In summary, the available evidence is currently insufficient to determine the role of this variant in disease. Therefore, it has been classified as a Variant of Uncertain Significance. Experimental studies and prediction algorithms are not available or were not evaluated, and the functional significance of this variant is currently unknown. This variant, c.139_141del, results in the deletion of 1 amino acid(s) of the FAM46A protein (p.Ser47del), but otherwise preserves the integrity of the reading frame. This variant is not present in population databases (gnomAD no frequency). This variant has not been reported in the literature in individuals affected with FAM46A-related conditions. ClinVar contains an entry for this variant (Variation ID: 1680607).